The following is an entry in ClinVar:

NM_015559.3(SETBP1):c.2225C>T (p.Pro742Leu)

Gene: SETBP1 (SET binding protein 1; plus strand). Cytogenetic location: 18q12.3.
Variant type: single nucleotide variant.
Coding change: c.2225C>T on transcript NM_015559.3 (MANE Select); coding-DNA position 2225, C replaced by T.
Protein change: p.Pro742Leu; replaces proline 742 with leucine.
Molecular consequence: missense variant.
Genome position (GRCh38, 1-based): chr18:44,951,565, C>T. VCF-style: chr18-44951565-C-T. GRCh37 (hg19) VCF-style: chr18-42531530-C-T.
Other names: c.2225C>T, p.Pro742Leu (NM_001379141.1, NM_001379142.1, NM_001410862.1); short protein forms P742L.
Identifiers: ClinVar variation 2780186 (VCV002780186.3), dbSNP rs2511470942, ClinGen allele CA402320670.
Genomic context (GRCh38, chr18:44,951,565, plus strand): 5'-ACATTGGCAAGAAGCGGGGCAGGAAGCCAAGAGCAGAGCTGCCACCCCCATCCGAAGAAC[C>T]CAAAACAGCCATCAAGCACCCCAGGCCTGTTTCTAGCCAGCCGGATGTTCCAGCCGTGCC-3'
Protein context (NP_056374.2, residues 732-752): RAELPPPSEE[Pro742Leu]KTAIKHPRPV

ClinVar aggregate classification (germline): Uncertain significance (1 of 4 stars; one submission).

Allele frequency attached by ClinVar (database versions not stated): gnomAD exomes below 0.00001.
gnomAD v4.1: 1 of 1,614,124 alleles (0.000062%); highest among the groups gnomAD compares: East Asian, 0.0022%; no homozygotes.

Submission:

Labcorp Genetics (formerly Invitae), Labcorp
Classification: Uncertain significance. Last evaluated: 2023-12-09. Review status: criteria provided, single submitter. Criteria: Invitae Variant Classification Sherloc (09022015). Collection method: clinical testing. Allele origin: germline.
Comment: This sequence change replaces proline, which is neutral and non-polar, with leucine, which is neutral and non-polar, at codon 742 of the SETBP1 protein (p.Pro742Leu). This variant is not present in population databases (gnomAD no frequency). This variant has not been reported in the literature in individuals affected with SETBP1-related conditions. Advanced modeling of protein sequence and biophysical properties (such as structural, functional, and spatial information, amino acid conservation, physicochemical variation, residue mobility, and thermodynamic stability) performed at Invitae indicates that this missense variant is not expected to disrupt SETBP1 protein function with a negative predictive value of 80%. In summary, the available evidence is currently insufficient to determine the role of this variant in disease. Therefore, it has been classified as a Variant of Uncertain Significance.